The following is an entry in ClinVar:

NM_007194.4(CHEK2):c.1247T>G (p.Ile416Ser)

Gene: CHEK2 (checkpoint kinase 2; minus strand). Cytogenetic location: 22q12.1.
Variant type: single nucleotide variant.
Coding change: c.1247T>G on transcript NM_007194.4 (MANE Select); coding-DNA position 1247, T replaced by G.
Protein change: p.Ile416Ser; replaces isoleucine 416 with serine.
Molecular consequence: missense variant.
Genome position (GRCh38, 1-based): chr22:28,695,722, A>C on the plus strand (T>G on the coding strand, the complement: CHEK2 is on the minus strand). VCF-style: chr22-28695722-A-C. GRCh37 (hg19) VCF-style: chr22-29091710-A-C.
Other names: c.1376T>G, p.Ile459Ser (NM_001005735.3); c.584T>G, p.Ile195Ser (NM_001257387.3); c.1046T>G, p.Ile349Ser (NM_001349956.3); c.1160T>G, p.Ile387Ser (NM_145862.3); short protein forms I387S, I416S, I195S, I349S, I459S.
Identifiers: ClinVar variation 926661 (VCV000926661.3), dbSNP rs1555913642, ClinGen allele CA411096555.

ClinVar aggregate classification (germline): Uncertain significance (1 of 4 stars; one submission).

Conditions:
Hereditary cancer-predisposing syndrome. Also called: Neoplastic Syndromes, Hereditary; Tumor predisposition; Hereditary Cancer Syndrome; Hereditary neoplastic syndrome. Identifiers: Orphanet 140162, MedGen C0027672, MeSH D009386, MONDO:0015356.

Submission:

Color Diagnostics, LLC DBA Color Health
Classification: Uncertain significance for Hereditary cancer-predisposing syndrome. Last evaluated: 2020-04-06. Review status: criteria provided, single submitter. Criteria: ACMG Guidelines, 2015. Collection method: clinical testing. Allele origin: germline.
Comment: This missense variant replaces isoleucine with serine at codon 416 of the CHEK2 protein. Computational prediction suggests that this variant may have deleterious impact on protein structure and function (internally defined REVEL score threshold >= 0.7, PMID: 27666373). Splice site prediction tools suggest that this variant may not impact RNA splicing. To our knowledge, functional studies have not been reported for this variant. This variant has not been reported in individuals affected with hereditary cancer in the literature. This variant has not been identified in the general population by the Genome Aggregation Database (gnomAD). The available evidence is insufficient to determine the role of this variant in disease conclusively. Therefore, this variant is classified as a Variant of Uncertain Significance.